The following is an entry in ClinVar:

ClinVar aggregate classification (germline): Uncertain significance. Review status: criteria provided, multiple submitters, no conflicts (2 of 4 stars). 2 submissions from 2 submitters: Uncertain significance (2). Last evaluated 2025-08-10.

Conditions:
Immunodeficiency, common variable, 10. Also called: DEFICIT IN ANTERIOR PITUITARY FUNCTION AND VARIABLE IMMUNODEFICIENCY; IMMUNODEFICIENCY, COMMON VARIABLE, WITH CENTRAL ADRENAL INSUFFICIENCY. Identifiers: MedGen C3809991, MONDO:0014260, OMIM 615577.

Allele frequency attached by ClinVar (database versions not stated): gnomAD 0.00001; gnomAD exomes 0.00002 and 0.00003; TOPMed 0.00002; ExAC 0.00005; 1000 Genomes Project 30x 0.00016; 1000 Genomes Project 0.00020.
gnomAD v4.1: 36 of 1,612,740 alleles (0.0022%); highest among the groups gnomAD compares: Middle Eastern, 0.016%; no homozygotes.

Submissions (3):

Labcorp Genetics (formerly Invitae), Labcorp
Classification: Uncertain significance for Immunodeficiency, common variable, 10. Last evaluated: 2025-08-10. Review status: criteria provided, single submitter. Criteria: Invitae Variant Classification Sherloc (09022015). Collection method: clinical testing. Allele origin: germline.
Comment: This sequence change replaces arginine, which is basic and polar, with glutamine, which is neutral and polar, at codon 658 of the NFKB2 protein (p.Arg658Gln). This variant is present in population databases (rs574309302, gnomAD 0.01%). This variant has not been reported in the literature in individuals affected with NFKB2-related conditions. ClinVar contains an entry for this variant (Variation ID: 971194). An algorithm developed to predict the effect of missense changes on protein structure and function (PolyPhen-2) suggests that this variant is likely to be tolerated. In summary, the available evidence is currently insufficient to determine the role of this variant in disease. Therefore, it has been classified as a Variant of Uncertain Significance.

Breakthrough Genomics
Classification: Uncertain significance. Review status: criteria provided, single submitter. Criteria: ACMG Guidelines, 2015. Collection method: not provided. Allele origin: germline. Inheritance: Autosomal dominant inheritance. Affected: yes.

Dr. Peter K. Rogan Lab, Western University
No classification provided (evidence only). Condition: Malignant lymphoma, large B-cell, diffuse. Review status: no classification provided. Collection method: in vitro. Allele origin: not applicable. Functional consequence: retained intron. Not counted in ClinVar's aggregate classification.

NM_001322934.2(NFKB2):c.1973G>A (p.Arg658Gln)

Gene: NFKB2 (nuclear factor kappa B subunit 2; plus strand). Cytogenetic location: 10q24.32.
Variant type: single nucleotide variant.
Coding change: c.1973G>A on transcript NM_001322934.2 (MANE Select); coding-DNA position 1973, G replaced by A.
Protein change: p.Arg658Gln; replaces arginine 658 with glutamine.
Molecular consequence: missense variant.
Genome position (GRCh38, 1-based): chr10:102,400,951, G>A. VCF-style: chr10-102400951-G-A. GRCh37 (hg19) VCF-style: chr10-104160708-G-A.
Other names: c.1973G>A, p.Arg658Gln (NM_001077494.3, NM_001261403.3, NM_001288724.1 and 1 more transcripts); c.1847G>A, p.Arg616Gln (NM_001322935.1); short protein forms R616Q, R658Q.
Identifiers: ClinVar variation 971194 (VCV000971194.7), dbSNP rs574309302, ClinGen allele CA5664944.